The following is an entry in ClinVar:

ClinVar aggregate classification (germline): Uncertain significance. Review status: criteria provided, multiple submitters, no conflicts (2 of 4 stars). 2 submissions from 2 submitters: Uncertain significance (2). Last evaluated 2025-08-07.

Allele frequency attached by ClinVar (database versions not stated): ExAC 0.00001; gnomAD 0.00003; 1000 Genomes Project 0.00020; TOPMed 0.00005; 1000 Genomes Project 30x 0.00016.
gnomAD v4.1: 18 of 1,614,146 alleles (0.0011%); highest among the groups gnomAD compares: Admixed American, 0.0033%; no homozygotes.

Submissions (2):

Ambry Genetics
Classification: Uncertain significance. Last evaluated: 2025-08-07. Review status: criteria provided, single submitter. Criteria: Ambry Variant Classification Scheme 2023. Collection method: clinical testing. Allele origin: germline.

Labcorp Genetics (formerly Invitae), Labcorp
Classification: Uncertain significance. Last evaluated: 2022-04-03. Review status: criteria provided, single submitter. Criteria: Invitae Variant Classification Sherloc (09022015). Collection method: clinical testing. Allele origin: germline.
Comment: This sequence change replaces lysine, which is basic and polar, with threonine, which is neutral and polar, at codon 514 of the CLCC1 protein (p.Lys514Thr). This variant is present in population databases (rs150759040, gnomAD 0.003%). This variant has not been reported in the literature in individuals affected with CLCC1-related conditions. Algorithms developed to predict the effect of missense changes on protein structure and function are either unavailable or do not agree on the potential impact of this missense change (SIFT: "Deleterious"; PolyPhen-2: "Probably Damaging"; Align-GVGD: "Class C0"). In summary, the available evidence is currently insufficient to determine the role of this variant in disease. Therefore, it has been classified as a Variant of Uncertain Significance.

NM_001377458.1(CLCC1):c.1541A>C (p.Lys514Thr)

Gene: CLCC1 (chloride channel CLIC like 1; minus strand). Cytogenetic location: 1p13.3.
Variant type: single nucleotide variant.
Coding change: c.1541A>C on transcript NM_001377458.1 (MANE Select); coding-DNA position 1541, A replaced by C.
Protein change: p.Lys514Thr; replaces lysine 514 with threonine.
Molecular consequence: missense variant. On other transcripts: non-coding transcript variant (1).
Genome position (GRCh38, 1-based): chr1:108,934,785, T>G on the plus strand (A>C on the coding strand, the complement: CLCC1 is on the minus strand). VCF-style: chr1-108934785-T-G. GRCh37 (hg19) VCF-style: chr1-109477407-T-G.
Other names: c.1541A>C, p.Lys514Thr (NM_001377460.1, NM_001377461.1, NM_001377462.1 and 8 more transcripts); c.1439A>C, p.Lys480Thr (NM_001377469.1); c.1250A>C, p.Lys417Thr (NM_001377470.1); c.1391A>C, p.Lys464Thr (NM_015127.5); c.1541A>C (NM_001048210.1); c.1178A>C, p.Lys393Thr (NM_001278202.2); c.986A>C, p.Lys329Thr (NM_001278203.1); short protein forms K329T, K514T, K393T, K480T, K417T, K464T.
Identifiers: ClinVar variation 1922166 (VCV001922166.3), dbSNP rs150759040, ClinGen allele CA983303.